The following is an entry in ClinVar:

NM_004525.3(LRP2):c.7894A>C (p.Asn2632His)

Gene: LRP2 (LDL receptor related protein 2; minus strand). Cytogenetic location: 2q31.1.
Variant type: single nucleotide variant.
Coding change: c.7894A>C on transcript NM_004525.3 (MANE Select); coding-DNA position 7894, A replaced by C.
Protein change: p.Asn2632His; replaces asparagine 2632 with histidine.
Molecular consequence: missense variant.
Genome position (GRCh38, 1-based): chr2:169,204,093, T>G on the plus strand (A>C on the coding strand, the complement: LRP2 is on the minus strand). VCF-style: chr2-169204093-T-G. GRCh37 (hg19) VCF-style: chr2-170060603-T-G.
Other names: short protein forms N2632H.
Identifiers: ClinVar variation 894706 (VCV000894706.12), dbSNP rs17848169, ClinGen allele CA1953984.
Genomic context (GRCh38, chr2:169,204,093, plus strand): 5'-TACACTGTTGTTTCTGGTTCTTCACAACAGTGTTGATTCCCCTGGGCTGGGAGAGCAAAT[T>G]TGTGGTCATTGCAATCTGACCTGACCCGTCATATTTGTTAGCTCGGTAAATTCTTTGTGT-3'
Protein context (NP_004516.2, residues 2622-2642): DGSGQIAMTT[Asn2632His]LLSQPRGINT

ClinVar aggregate classification (germline): Uncertain significance. Review status: criteria provided, multiple submitters, no conflicts (2 of 4 stars). 3 submissions from 3 submitters: Uncertain significance (3). Last evaluated 2024-06-21.

Conditions:
Donnai-Barrow syndrome. Also called: DBS/FOAR SYNDROME; FACIOOCULOACOUSTICORENAL SYNDROME. Identifiers: Orphanet 2143, MedGen C1857277, MONDO:0009104, OMIM 222448.

Allele frequency attached by ClinVar (database versions not stated): TOPMed 0.00002.
gnomAD v4.1: 15 of 1,614,034 alleles (0.00093%); highest among the groups gnomAD compares: Non-Finnish European, 0.0012%; no homozygotes.

Submissions (3):

Fulgent Genetics
Classification: Uncertain significance for Donnai-Barrow syndrome. Last evaluated: 2024-06-21. Review status: criteria provided, single submitter. Criteria: ACMG Guidelines, 2015. Collection method: clinical testing. Allele origin: germline.

Labcorp Genetics (formerly Invitae), Labcorp
Classification: Uncertain significance. Last evaluated: 2024-02-23. Review status: criteria provided, single submitter. Criteria: Invitae Variant Classification Sherloc (09022015). Collection method: clinical testing. Allele origin: germline.
Comment: This sequence change replaces asparagine, which is neutral and polar, with histidine, which is basic and polar, at codon 2632 of the LRP2 protein (p.Asn2632His). This variant is present in population databases (rs17848169, gnomAD 0.0009%). This variant has not been reported in the literature in individuals affected with LRP2-related conditions. ClinVar contains an entry for this variant (Variation ID: 894706). Advanced modeling of protein sequence and biophysical properties (such as structural, functional, and spatial information, amino acid conservation, physicochemical variation, residue mobility, and thermodynamic stability) performed at Invitae indicates that this missense variant is not expected to disrupt LRP2 protein function with a negative predictive value of 95%. In summary, the available evidence is currently insufficient to determine the role of this variant in disease. Therefore, it has been classified as a Variant of Uncertain Significance.

Illumina Laboratory Services, Illumina
Classification: Uncertain significance for Donnai-Barrow syndrome. Last evaluated: 2017-04-28. Review status: criteria provided, single submitter. Criteria: ICSL Variant Classification Criteria 13 December 2019. Collection method: clinical testing. Allele origin: germline.